The following is an entry in ClinVar:

ClinVar aggregate classification (germline): Likely pathogenic (1 of 4 stars; one submission).

Submission:

Labcorp Genetics (formerly Invitae), Labcorp
Classification: Likely pathogenic. Last evaluated: 2024-08-27. Review status: criteria provided, single submitter. Criteria: Invitae Variant Classification Sherloc (09022015). Collection method: clinical testing. Allele origin: germline.
Comment: This sequence change affects an acceptor splice site in intron 7 of the CDHR1 gene. It is expected to disrupt RNA splicing. Variants that disrupt the donor or acceptor splice site typically lead to a loss of protein function (PMID: 16199547), and loss-of-function variants in CDHR1 are known to be pathogenic (PMID: 23044944, 23591405, 26103963, 26261414). This variant is not present in population databases (gnomAD no frequency). This variant has not been reported in the literature in individuals affected with CDHR1-related conditions. ClinVar contains an entry for this variant (Variation ID: 1066194). Algorithms developed to predict the effect of sequence changes on RNA splicing suggest that this variant may disrupt the consensus splice site. In summary, the currently available evidence indicates that the variant is pathogenic, but additional data are needed to prove that conclusively. Therefore, this variant has been classified as Likely Pathogenic.

Literature cited by the submitters: PubMed 16199547; PubMed 23044944; PubMed 23591405; PubMed 26103963; PubMed 26261414.

NM_033100.4(CDHR1):c.640-2A>T

Gene: CDHR1 (cadherin related family member 1; plus strand). Cytogenetic location: 10q23.1.
Variant type: single nucleotide variant.
Coding change: c.640-2A>T on transcript NM_033100.4 (MANE Select); the canonical splice acceptor site of the intron before coding-DNA position 640, A replaced by T.
Molecular consequence: splice acceptor variant.
Genome position (GRCh38, 1-based): chr10:84,202,978, A>T. VCF-style: chr10-84202978-A-T. GRCh37 (hg19) VCF-style: chr10-85962734-A-T.
Other names: c.640-2A>T (NM_001171971.3).
Identifiers: ClinVar variation 1066194 (VCV001066194.8), dbSNP rs2132807272, ClinGen allele CA377372530.